The following is an entry in ClinVar:

ClinVar aggregate classification (germline): Pathogenic (1 of 4 stars; one submission).

gnomAD v4.1: 2 of 1,612,298 alleles (0.00012%); highest among the groups gnomAD compares: East Asian, 0.0022%; no homozygotes.

Submission:

Labcorp Genetics (formerly Invitae), Labcorp
Classification: Pathogenic. Last evaluated: 2025-09-23. Review status: criteria provided, single submitter. Criteria: Invitae Variant Classification Sherloc (09022015). Collection method: clinical testing. Allele origin: germline.
Comment: This sequence change creates a premature translational stop signal (p.Gln61*) in the ACAD9 gene. It is expected to result in an absent or disrupted protein product. Loss-of-function variants in ACAD9 are known to be pathogenic (PMID: 25721401). This variant is not present in population databases (gnomAD no frequency). This variant has not been reported in the literature in individuals affected with ACAD9-related conditions. Algorithms developed to predict the effect of sequence changes on RNA splicing suggest that this variant may disrupt the consensus splice site. For these reasons, this variant has been classified as Pathogenic.

Literature cited by the submitters: PubMed 25721401.

NM_014049.5(ACAD9):c.181C>T (p.Gln61Ter)

Gene: ACAD9 (acyl-CoA dehydrogenase family member 9; plus strand). Cytogenetic location: 3q21.3.
Variant type: single nucleotide variant.
Coding change: c.181C>T on transcript NM_014049.5 (MANE Select); coding-DNA position 181, C replaced by T.
Protein change: p.Gln61Ter; replaces glutamine 61 with a stop codon.
Molecular consequence: nonsense. On other transcripts: non-coding transcript variant (1), intron variant (1).
Genome position (GRCh38, 1-based): chr3:128,884,683, C>T. VCF-style: chr3-128884683-C-T. GRCh37 (hg19) VCF-style: chr3-128603526-C-T.
Other names: c.-126+4842C>T (NM_001410805.1); short protein forms Q61*.
Identifiers: ClinVar variation 4727007 (VCV004727007.1).